The following is an entry in ClinVar:

ClinVar aggregate classification (germline): Uncertain significance (1 of 4 stars; one submission).

gnomAD v4.1: 3 of 1,613,598 alleles (0.00019%); highest among the groups gnomAD compares: Non-Finnish European, 0.00025%; no homozygotes.

Submission:

CeGaT Center for Human Genetics Tuebingen
Classification: Uncertain significance. Last evaluated: 2025-06-01. Review status: criteria provided, single submitter. Criteria: CeGaT Center For Human Genetics Tuebingen Variant Classification Criteria Version 2. Collection method: clinical testing. Allele origin: germline. Affected: yes. Observed: 1 variant allele.
Comment: POLR3B: PM2, PP3

NM_018082.6(POLR3B):c.3341T>C (p.Phe1114Ser)

Genes: POLR3B (RNA polymerase III subunit B; plus strand), RFX4-AS1 (RFX4 antisense RNA 1; minus strand). Cytogenetic location: 12q23.3.
Variant type: single nucleotide variant.
Coding change: c.3341T>C on transcript NM_018082.6 (MANE Select); coding-DNA position 3341, T replaced by C.
Protein change: p.Phe1114Ser; replaces phenylalanine 1114 with serine.
Molecular consequence: missense variant.
Genome position (GRCh38, 1-based): chr12:106,509,488, T>C. VCF-style: chr12-106509488-T-C. GRCh37 (hg19) VCF-style: chr12-106903266-T-C.
Other names: c.3167T>C, p.Phe1056Ser (NM_001160708.2); short protein forms F1056S, F1114S.
Identifiers: ClinVar variation 4085056 (VCV004085056.8).